The following is an entry in ClinVar:

NM_000038.6(APC):c.3486T>C (p.Tyr1162=)

Gene: APC (APC regulator of Wnt signaling pathway; plus strand). Cytogenetic location: 5q22.2.
Variant type: single nucleotide variant.
Coding change: c.3486T>C on transcript NM_000038.6 (MANE Select); coding-DNA position 3486, T replaced by C.
Protein change: p.Tyr1162=; no amino-acid change (tyrosine 1162 retained).
Molecular consequence: synonymous variant.
Genome position (GRCh38, 1-based): chr5:112,839,080, T>C. VCF-style: chr5-112839080-T-C. GRCh37 (hg19) VCF-style: chr5-112174777-T-C.
Other names: c.3486T>C, p.Tyr1162= (NM_001127510.3, NM_001354895.2); c.3432T>C, p.Tyr1144= (NM_001127511.3); c.3540T>C, p.Tyr1180= (NM_001354896.2); c.3516T>C, p.Tyr1172= (NM_001354897.2); c.3411T>C, p.Tyr1137= (NM_001354898.2); c.3402T>C, p.Tyr1134= (NM_001354899.2); c.3363T>C, p.Tyr1121= (NM_001354900.2); c.3309T>C, p.Tyr1103= (NM_001354901.2); and 5 more.
Identifiers: ClinVar variation 795638 (VCV000795638.18), dbSNP rs1580636096, ClinGen allele CA445963998.
Genomic context (GRCh38, chr5:112,839,080, plus strand): 5'-TTATAGTGAACGTTACTCTGAAGAAGAACAGCATGAAGAAGAAGAGAGACCAACAAATTA[T>C]AGCATAAAATATAATGAAGAGAAACGTCATGTGGATCAGCCTATTGATTATAGTTTAAAA-3'
Protein context (NP_000029.2, residues 1152-1172): QHEEEERPTN[Tyr1162=]SIKYNEEKRH

ClinVar aggregate classification (germline): Benign/Likely benign. Review status: criteria provided, multiple submitters, no conflicts (2 of 4 stars). 4 submissions from 4 submitters: Benign (1); Likely benign (3). Last evaluated 2026-01-11.

Conditions:
Hereditary cancer-predisposing syndrome. Also called: Neoplastic Syndromes, Hereditary; Hereditary neoplastic syndrome; Tumor predisposition; Hereditary Cancer Syndrome. Identifiers: Orphanet 140162, MedGen C0027672, MeSH D009386, MONDO:0015356.
Familial adenomatous polyposis 1 (FAP1). Also called: POLYPOSIS, ADENOMATOUS INTESTINAL; FAMILIAL ADENOMATOUS POLYPOSIS 1, ATTENUATED. Identifiers: MedGen C2713442, MONDO:0021056, OMIM 175100. Disease mechanism: loss of function.

Allele frequency attached by ClinVar (database versions not stated): gnomAD exomes below 0.00001.
gnomAD v4.1: 4 of 1,614,108 alleles (0.00025%); highest among the groups gnomAD compares: South Asian, 0.0033%; no homozygotes.

Submissions (4):

Labcorp Genetics (formerly Invitae), Labcorp
Classification: Likely benign for Familial adenomatous polyposis 1. Last evaluated: 2026-01-11. Review status: criteria provided, single submitter. Criteria: Invitae Variant Classification Sherloc (09022015). Collection method: clinical testing. Allele origin: germline.

Myriad Genetics, Inc.
Classification: Benign for Familial adenomatous polyposis 1. Last evaluated: 2024-03-21. Review status: criteria provided, single submitter. Criteria: Myriad Autosomal Dominant, Autosomal Recessive and X-Linked Classification Criteria (2023). Collection method: clinical testing. Allele origin: unknown.
Comment: This variant is considered benign. This variant is a silent/synonymous amino acid change and it is not expected to impact splicing.

Color Diagnostics, LLC DBA Color Health
Classification: Likely benign for Hereditary cancer-predisposing syndrome. Last evaluated: 2019-06-03. Review status: criteria provided, single submitter. Criteria: ACMG Guidelines, 2015. Collection method: clinical testing. Allele origin: germline.

Ambry Genetics
Classification: Likely benign for Hereditary cancer-predisposing syndrome. Last evaluated: 2019-04-30. Review status: criteria provided, single submitter. Criteria: Ambry Variant Classification Scheme 2023. Collection method: clinical testing. Allele origin: germline.